The following is an entry in ClinVar:

NM_001199138.2(NLRC4):c.2908T>C (p.Phe970Leu)

Gene: NLRC4 (NLR family CARD domain containing 4; minus strand). Cytogenetic location: 2p22.3.
Variant type: single nucleotide variant.
Coding change: c.2908T>C on transcript NM_001199138.2 (MANE Select); coding-DNA position 2908, T replaced by C.
Protein change: p.Phe970Leu; replaces phenylalanine 970 with leucine.
Molecular consequence: missense variant.
Genome position (GRCh38, 1-based): chr2:32,224,640, A>G on the plus strand (T>C on the coding strand, the complement: NLRC4 is on the minus strand). VCF-style: chr2-32224640-A-G. GRCh37 (hg19) VCF-style: chr2-32449709-A-G.
Other names: c.2908T>C, p.Phe970Leu (NM_001199139.2, NM_021209.5); c.913T>C, p.Phe305Leu (NM_001302504.2); short protein forms F305L, F970L.
Identifiers: ClinVar variation 2671746 (VCV002671746.1), dbSNP rs2466688331, ClinGen allele CA346519351.

ClinVar aggregate classification (germline): Uncertain significance (1 of 4 stars; one submission).

Conditions:
Familial cold autoinflammatory syndrome 4 (FCAS4). Identifiers: Orphanet 47045, Orphanet 576349, MedGen C4015276, MONDO:0014498, OMIM 616115.

Submission:

Neuberg Centre For Genomic Medicine, NCGM
Classification: Uncertain significance for Familial cold autoinflammatory syndrome 4. Last evaluated: 2023-03-01. Review status: criteria provided, single submitter. Criteria: ACMG Guidelines, 2015. Collection method: clinical testing. Allele origin: germline. Inheritance: Autosomal dominant inheritance. Affected: yes.
Comment: The missense c.2908T>C (p.Phe970Leu) variant in NLRC4 gene has not been reported previously as a pathogenic variant nor as a benign variant, to our knowledge. The p.Phe970Leu variant is novel (not in any individuals) in gnomAD Exomes and 1000 Genomes. This variant has not been reported to the ClinVar database. The amino acid change p.Phe970Leu in NLRC4 is predicted as conserved by GERP++ and PhyloP across 100 vertebrates. The amino acid Phe at position 970 is changed to a Leu changing protein sequence and it might alter its composition and physico-chemical properties. For these reasons, this variant has been classified as Variant of Uncertain Significance (VUS).